The following is an entry in ClinVar:

NM_018418.5(SPATA7):c.323G>A (p.Arg108Gln)

Gene: SPATA7 (spermatogenesis associated 7; plus strand). Cytogenetic location: 14q31.3.
Variant type: single nucleotide variant.
Coding change: c.323G>A on transcript NM_018418.5 (MANE Select); coding-DNA position 323, G replaced by A.
Protein change: p.Arg108Gln; replaces arginine 108 with glutamine.
Molecular consequence: missense variant.
Genome position (GRCh38, 1-based): chr14:88,416,795, G>A. VCF-style: chr14-88416795-G-A. GRCh37 (hg19) VCF-style: chr14-88883139-G-A.
Other names: c.323G>A (NM_018418.4); c.227G>A, p.Arg76Gln (NM_001040428.4); short protein forms R108Q, R76Q.
Identifiers: ClinVar variation 1057909 (VCV001057909.8), dbSNP rs370110205, ClinGen allele CA7298495.

ClinVar aggregate classification (germline): Conflicting classifications of pathogenicity. Review status: criteria provided, conflicting classifications (1 of 4 stars). 2 submissions from 2 submitters: Uncertain significance (1); Likely benign (1). Last evaluated 2025-02-03.

Conditions:
Inborn genetic diseases. Identifiers: MedGen C0950123, MeSH D030342.
Leber congenital amaurosis 3 (LCA3). Also called: SPATA7-Related Retinitis Pigmentosa. Identifiers: MedGen C1858677, MONDO:0011415, OMIM 604232.

Allele frequency attached by ClinVar (database versions not stated): gnomAD 0.00002; gnomAD exomes 0.00002 and 0.00004; ExAC 0.00003; TOPMed 0.00005; ESP Exome Variant Server 0.00008; 1000 Genomes Project 30x 0.00016; 1000 Genomes Project 0.00020.

Submissions (2):

Labcorp Genetics (formerly Invitae), Labcorp
Classification: Uncertain significance for Leber congenital amaurosis 3. Last evaluated: 2025-02-03. Review status: criteria provided, single submitter. Criteria: Invitae Variant Classification Sherloc (09022015). Collection method: clinical testing. Allele origin: germline.
Comment: This sequence change replaces arginine, which is basic and polar, with glutamine, which is neutral and polar, at codon 108 of the SPATA7 protein (p.Arg108Gln). This variant is present in population databases (rs370110205, gnomAD 0.007%). This variant has not been reported in the literature in individuals affected with SPATA7-related conditions. ClinVar contains an entry for this variant (Variation ID: 1057909). Invitae Evidence Modeling of protein sequence and biophysical properties (such as structural, functional, and spatial information, amino acid conservation, physicochemical variation, residue mobility, and thermodynamic stability) indicates that this missense variant is not expected to disrupt SPATA7 protein function with a negative predictive value of 80%. In summary, the available evidence is currently insufficient to determine the role of this variant in disease. Therefore, it has been classified as a Variant of Uncertain Significance.

Ambry Genetics
Classification: Likely benign for Inborn genetic diseases. Last evaluated: 2022-05-11. Review status: criteria provided, single submitter. Criteria: Ambry Variant Classification Scheme 2023. Collection method: clinical testing. Allele origin: germline.